The following is an entry in ClinVar:

ClinVar aggregate classification (germline): Uncertain significance. Review status: criteria provided, multiple submitters, no conflicts (2 of 4 stars). 3 submissions from 3 submitters: Uncertain significance (3). Last evaluated 2024-07-10.

Conditions:
Emery-Dreifuss muscular dystrophy 5, autosomal dominant (EDMD5). Also called: EMERY-DREIFUSS MUSCULAR DYSTROPHY 5. Identifiers: Orphanet 261, MedGen C2751805, MONDO:0013072, OMIM 612999.

Allele frequency attached by ClinVar (database versions not stated): gnomAD 0.00001; ExAC 0.00002; gnomAD exomes 0.00002 and 0.00003; TOPMed 0.00002.
gnomAD v4.1: 46 of 1,613,128 alleles (0.0029%); highest among the groups gnomAD compares: Middle Eastern, 0.066%; no homozygotes.

Submissions (3):

Women's Health and Genetics/Laboratory Corporation of America, LabCorp
Classification: Uncertain significance. Last evaluated: 2024-07-10. Review status: criteria provided, single submitter. Criteria: LabCorp Variant Classification Summary - May 2015. Collection method: clinical testing. Allele origin: germline.
Comment: Variant summary: SYNE2 c.9692G>A (p.Arg3231His) results in a non-conservative amino acid change in the encoded protein sequence. Four of five in-silico tools predict a benign effect of the variant on protein function. The variant allele was found at a frequency of 2.6e-05 in 1606140 control chromosomes (i.e. in 46 carriers) in the gnomAD database (v4.1 dataset). The occurrence in several carriers suggests that this variant is likely not associated with a high penetrance, severe, early onset disease phenotype in heterozygous state. To our knowledge, no occurrence of c.9692G>A in individuals affected with Emery-Dreifuss Muscular Dystrophy 5, Autosomal Dominant and no experimental evidence demonstrating its impact on protein function have been reported. ClinVar contains an entry for this variant (Variation ID: 1043153). Based on the evidence outlined above, the variant was classified as VUS-possibly benign.

CeGaT Center for Human Genetics Tuebingen
Classification: Uncertain significance. Last evaluated: 2023-03-01. Review status: criteria provided, single submitter. Criteria: CeGaT Center For Human Genetics Tuebingen Variant Classification Criteria Version 2. Collection method: clinical testing. Allele origin: germline. Affected: yes. Observed: 1 variant allele.
Comment: SYNE2: PM2:Supporting, BP4

Labcorp Genetics (formerly Invitae), Labcorp
Classification: Uncertain significance for Emery-Dreifuss muscular dystrophy 5, autosomal dominant. Last evaluated: 2021-12-15. Review status: criteria provided, single submitter. Criteria: Invitae Variant Classification Sherloc (09022015). Collection method: clinical testing. Allele origin: germline.
Comment: ClinVar contains an entry for this variant (Variation ID: 1043153). This variant has not been reported in the literature in individuals affected with SYNE2-related conditions. This variant is present in population databases (rs773533722, gnomAD 0.003%). This sequence change replaces arginine, which is basic and polar, with histidine, which is basic and polar, at codon 3231 of the SYNE2 protein (p.Arg3231His). Algorithms developed to predict the effect of missense changes on protein structure and function output the following: SIFT: "Tolerated"; PolyPhen-2: "Benign"; Align-GVGD: "Class C0". The histidine amino acid residue is found in multiple mammalian species, which suggests that this missense change does not adversely affect protein function. In summary, the available evidence is currently insufficient to determine the role of this variant in disease. Therefore, it has been classified as a Variant of Uncertain Significance.

NM_182914.3(SYNE2):c.9692G>A (p.Arg3231His)

Gene: SYNE2 (spectrin repeat containing nuclear envelope protein 2; plus strand). Cytogenetic location: 14q23.2.
Variant type: single nucleotide variant.
Coding change: c.9692G>A on transcript NM_182914.3 (MANE Select); coding-DNA position 9692, G replaced by A.
Protein change: p.Arg3231His; replaces arginine 3231 with histidine.
Molecular consequence: missense variant.
Genome position (GRCh38, 1-based): chr14:64,053,605, G>A. VCF-style: chr14-64053605-G-A. GRCh37 (hg19) VCF-style: chr14-64520323-G-A.
Other names: c.9692G>A, p.Arg3231His (NM_015180.6); short protein forms R3231H.
Identifiers: ClinVar variation 1043153 (VCV001043153.31), dbSNP rs773533722, ClinGen allele CA7221314.